The following is an entry in ClinVar:

NM_004329.3(BMPR1A):c.1376A>G (p.Asn459Ser)

Gene: BMPR1A (bone morphogenetic protein receptor type 1A; plus strand). Cytogenetic location: 10q23.2.
Variant type: single nucleotide variant.
Coding change: c.1376A>G on transcript NM_004329.3 (MANE Select); coding-DNA position 1376, A replaced by G.
Protein change: p.Asn459Ser; replaces asparagine 459 with serine.
Molecular consequence: missense variant.
Genome position (GRCh38, 1-based): chr10:86,923,409, A>G. VCF-style: chr10-86923409-A-G. GRCh37 (hg19) VCF-style: chr10-88683166-A-G.
Other names: short protein forms N459S.
Identifiers: ClinVar variation 632674 (VCV000632674.11), dbSNP rs1564725605, ClinGen allele CA377462774.

ClinVar aggregate classification (germline): Uncertain significance. Review status: criteria provided, multiple submitters, no conflicts (2 of 4 stars). 5 submissions from 5 submitters: Uncertain significance (5). Last evaluated 2025-03-01.

Conditions:
Juvenile polyposis syndrome (JPS). Identifiers: Orphanet 2929, MedGen C0345893, MONDO:0017380, OMIM 174900.
Hereditary cancer-predisposing syndrome. Also called: Hereditary Cancer Syndrome; Neoplastic Syndromes, Hereditary; Tumor predisposition; Hereditary neoplastic syndrome. Identifiers: Orphanet 140162, MedGen C0027672, MeSH D009386, MONDO:0015356.

Allele frequency attached by ClinVar (database versions not stated): gnomAD exomes below 0.00001.
gnomAD v4.1: 1 of 1,614,192 alleles (0.000062%); highest among the groups gnomAD compares: Non-Finnish European, 0.000085%; no homozygotes.

Submissions (5):

Labcorp Genetics (formerly Invitae), Labcorp
Classification: Uncertain significance for Juvenile polyposis syndrome. Last evaluated: 2025-03-01. Review status: criteria provided, single submitter. Criteria: Invitae Variant Classification Sherloc (09022015). Collection method: clinical testing. Allele origin: germline.
Comment: This sequence change replaces asparagine, which is neutral and polar, with serine, which is neutral and polar, at codon 459 of the BMPR1A protein (p.Asn459Ser). This variant is not present in population databases (gnomAD no frequency). This variant has not been reported in the literature in individuals affected with BMPR1A-related conditions. ClinVar contains an entry for this variant (Variation ID: 632674). Invitae Evidence Modeling of protein sequence and biophysical properties (such as structural, functional, and spatial information, amino acid conservation, physicochemical variation, residue mobility, and thermodynamic stability) indicates that this missense variant is not expected to disrupt BMPR1A protein function with a negative predictive value of 80%. In summary, the available evidence is currently insufficient to determine the role of this variant in disease. Therefore, it has been classified as a Variant of Uncertain Significance.

All of Us Research Program, National Institutes of Health
Classification: Uncertain significance for Juvenile polyposis syndrome. Last evaluated: 2024-04-25. Review status: criteria provided, single submitter. Criteria: ACMG Guidelines, 2015. Collection method: clinical testing. Allele origin: germline. Inheritance: Autosomal dominant inheritance. Observed: 1 variant allele, 1 heterozygote.
Comment: This missense variant replaces asparagine with serine at codon 459 of the BMPR1A protein. Computational prediction suggests that this variant may not impact protein structure and function (internally defined REVEL score threshold <= 0.5, PMID: 27666373). To our knowledge, functional studies have not been reported for this variant. This variant has not been reported in individuals affected with BMPR1A-related disorders in the literature. This variant has not been identified in the general population by the Genome Aggregation Database (gnomAD). The available evidence is insufficient to determine the role of this variant in disease conclusively. Therefore, this variant is classified as a Variant of Uncertain Significance.

This study involves interpretation of variants in research participants for the purpose of population health screening. Participant phenotype was not available at the time of variant classification. Additional details can be found in publication PMID: 35346344, PMCID: PMC8962531

Ambry Genetics
Classification: Uncertain significance for Hereditary cancer-predisposing syndrome. Last evaluated: 2024-03-27. Review status: criteria provided, single submitter. Criteria: Ambry Variant Classification Scheme 2023. Collection method: clinical testing. Allele origin: germline.
Comment: The p.N459S variant (also known as c.1376A>G), located in coding exon 10 of the BMPR1A gene, results from an A to G substitution at nucleotide position 1376. The asparagine at codon 459 is replaced by serine, an amino acid with highly similar properties. This amino acid position is conserved. In addition, the in silico prediction for this alteration is inconclusive. Based on the available evidence, the clinical significance of this alteration remains unclear.

Color Diagnostics, LLC DBA Color Health
Classification: Uncertain significance for Hereditary cancer-predisposing syndrome. Last evaluated: 2024-03-24. Review status: criteria provided, single submitter. Criteria: ACMG Guidelines, 2015. Collection method: clinical testing. Allele origin: germline.
Comment: This missense variant replaces asparagine with serine at codon 459 of the BMPR1A protein. Computational prediction suggests that this variant may not impact protein structure and function (internally defined REVEL score threshold <= 0.5, PMID: 27666373). To our knowledge, functional studies have not been reported for this variant. This variant has not been reported in individuals affected with BMPR1A-related disorders in the literature. This variant has not been identified in the general population by the Genome Aggregation Database (gnomAD). The available evidence is insufficient to determine the role of this variant in disease conclusively. Therefore, this variant is classified as a Variant of Uncertain Significance.

Women's Health and Genetics/Laboratory Corporation of America, LabCorp
Classification: Uncertain significance. Last evaluated: 2017-11-02. Review status: criteria provided, single submitter. Criteria: LabCorp Variant Classification Summary - May 2015. Collection method: clinical testing. Allele origin: germline.
Comment: Variant summary: The c.1376A>G (p.Asn459Ser) in BMPR1A gene is a missense variant involves a highly conserved nucleotide and 2/4 in silico tools predict benign outcome, however no functional studies supporting these predictions were published at the time of evaluation. The variant is located within tyrosine kinase functional domain. The c.1376A>G variant is absent from the control population datasets of ExAC and gnomAD (121406 and 246258 chrs tested, respectively). To our knowledge, the variant has not been reported in affected individuals via published reports or cited by reputable databases/clinical laboratories. Taken together, the variant was classified as VUS, until new information becomes available.